The following is an entry in ClinVar:

ClinVar aggregate classification (germline): Likely benign. Review status: criteria provided, multiple submitters, no conflicts (2 of 4 stars). 3 submissions from 3 submitters: Likely benign (2). 1 of the submissions does not count toward it. Last evaluated 2025-04-25.

Conditions:
PKD1-related disorder. Also called: PKD1-related condition.

Allele frequency attached by ClinVar (database versions not stated): gnomAD 0.00003; gnomAD exomes 0.00003; TOPMed 0.00006; ExAC 0.00007.
gnomAD v4.1: 47 of 1,578,644 alleles (0.003%); highest among the groups gnomAD compares: African/African-American, 0.0081%; no homozygotes.

Submissions (3):

Women's Health and Genetics/Laboratory Corporation of America, LabCorp
Classification: Likely benign. Last evaluated: 2025-04-25. Review status: criteria provided, single submitter. Criteria: LabCorp Variant Classification Summary - May 2015. Collection method: clinical testing. Allele origin: germline.

Blueprint Genetics
Classification: Likely benign. Last evaluated: 2024-04-29. Review status: criteria provided, single submitter. Criteria: ACMG Guidelines, 2015. Collection method: clinical testing. Allele origin: germline.

PreventionGenetics, part of Exact Sciences
Classification: Likely benign for PKD1-related condition. Last evaluated: 2019-09-04. Review status: no assertion criteria provided. Collection method: clinical testing. Allele origin: germline. Not counted in ClinVar's aggregate classification.
Comment: This variant is classified as likely benign based on ACMG/AMP sequence variant interpretation guidelines (Richards et al. 2015 PMID: 25741868, with internal and published modifications).

NM_001009944.3(PKD1):c.996C>T (p.His332=)

Gene: PKD1 (polycystin 1, transient receptor potential channel interacting; minus strand). Cytogenetic location: 16p13.3.
Variant type: single nucleotide variant.
Coding change: c.996C>T on transcript NM_001009944.3 (MANE Select); coding-DNA position 996, C replaced by T.
Protein change: p.His332=; no amino-acid change (histidine 332 retained).
Molecular consequence: synonymous variant.
Genome position (GRCh38, 1-based): chr16:2,117,996, G>A on the plus strand (C>T on the coding strand, the complement: PKD1 is on the minus strand). VCF-style: chr16-2117996-G-A. GRCh37 (hg19) VCF-style: chr16-2167997-G-A.
Other names: c.996C>T, p.His332= (NM_000296.4).
Identifiers: ClinVar variation 3053247 (VCV003053247.5), dbSNP rs773259284, ClinGen allele CA7833607.